The following is an entry in ClinVar:

ClinVar aggregate classification (germline): Uncertain significance. Review status: criteria provided, multiple submitters, no conflicts (2 of 4 stars). 3 submissions from 3 submitters: Uncertain significance (3). Last evaluated 2025-08-25.

Conditions:
Cone-rod dystrophy 6 (CORD6). Also called: RETINAL CONE DYSTROPHY 2; Cone dystrophy progressive. Identifiers: Orphanet 1872, MedGen C1866293, MONDO:0011143, OMIM 601777.
Leber congenital amaurosis 1 (LCA1). Also called: Congenital absence of the rods and cones; Leber's congenital tapetoretinal degeneration; Leber's congenital tapetoretinal dysplasia; RETINAL BLINDNESS, CONGENITAL; AMAUROSIS CONGENITA OF LEBER I. Identifiers: Orphanet 65, MedGen C2931258, MONDO:0008764, OMIM 204000.
Inborn genetic diseases. Identifiers: MedGen C0950123, MeSH D030342.

gnomAD v4.1: 14 of 1,600,054 alleles (0.00087%); highest among the groups gnomAD compares: Non-Finnish European, 0.0011%; no homozygotes.

Submissions (3):

Ambry Genetics
Classification: Uncertain significance for Inborn genetic diseases. Last evaluated: 2025-08-25. Review status: criteria provided, single submitter. Criteria: Ambry Variant Classification Scheme 2023. Collection method: clinical testing. Allele origin: germline.

Labcorp Genetics (formerly Invitae), Labcorp
Classification: Uncertain significance for Leber congenital amaurosis 1; Cone-rod dystrophy 6. Last evaluated: 2024-10-13. Review status: criteria provided, single submitter. Criteria: Invitae Variant Classification Sherloc (09022015). Collection method: clinical testing. Allele origin: germline.
Comment: This sequence change replaces proline, which is neutral and non-polar, with alanine, which is neutral and non-polar, at codon 345 of the GUCY2D protein (p.Pro345Ala). This variant is present in population databases (no rsID available, gnomAD 0.0009%). This variant has not been reported in the literature in individuals affected with GUCY2D-related conditions. ClinVar contains an entry for this variant (Variation ID: 1433770). Invitae Evidence Modeling of protein sequence and biophysical properties (such as structural, functional, and spatial information, amino acid conservation, physicochemical variation, residue mobility, and thermodynamic stability) has been performed for this missense variant. However, the output from this modeling did not meet the statistical confidence thresholds required to predict the impact of this variant on GUCY2D protein function. In summary, the available evidence is currently insufficient to determine the role of this variant in disease. Therefore, it has been classified as a Variant of Uncertain Significance.

Blueprint Genetics
Classification: Uncertain significance. Last evaluated: 2021-10-06. Review status: criteria provided, single submitter. Criteria: ACMG Guidelines, 2015. Collection method: clinical testing. Allele origin: germline.

NM_000180.4(GUCY2D):c.1033C>G (p.Pro345Ala)

Gene: GUCY2D (guanylate cyclase 2D, retinal; plus strand). Cytogenetic location: 17p13.1.
Variant type: single nucleotide variant.
Coding change: c.1033C>G on transcript NM_000180.4 (MANE Select); coding-DNA position 1033, C replaced by G.
Protein change: p.Pro345Ala; replaces proline 345 with alanine.
Molecular consequence: missense variant.
Genome position (GRCh38, 1-based): chr17:8,006,369, C>G. VCF-style: chr17-8006369-C-G. GRCh37 (hg19) VCF-style: chr17-7909687-C-G.
Other names: c.1033C>G (NM_000180.3); short protein forms P345A.
Identifiers: ClinVar variation 1433770 (VCV001433770.7), dbSNP rs755696904, ClinGen allele CA397947614.
Genomic context (GRCh38, chr17:8,006,369, plus strand): 5'-GGTCTGTCTGTGGGCTGTGACCCCGACCTCTGAGCCCCTACTCTCCTTCTCCAGGTCTCC[C>G]CACTCTTTGGCACCATCTATGACGCGGTCTTCTTGCTGGCAAGGGGCGTGGCAGAAGCGC-3'
Protein context (NP_000171.1, residues 335-355): PSDLNLQQVS[Pro345Ala]LFGTIYDAVF